The following is an entry in ClinVar:

ClinVar aggregate classification (germline): Benign/Likely benign. Review status: criteria provided, multiple submitters, no conflicts (2 of 4 stars). 8 submissions from 8 submitters: Benign (2); Likely benign (6). Last evaluated 2026-01-04.

Conditions:
Lymphangiomyomatosis (LAM). Also called: Lymphangioleiomyomatosis; Lymphangioleiomyomatosis, somatic. Identifiers: Orphanet 538, MedGen C0751674, MONDO:0011705, OMIM 606690.
Isolated focal cortical dysplasia type II (FCORD2). Also called: CORTICAL DYSPLASIA OF TAYLOR; Focal cortical dysplasia type II. Identifiers: Orphanet 268994, MedGen C1846385, MONDO:0011818, OMIM 607341, HP:0032051.
Tuberous sclerosis 2 (TSC2). Identifiers: Orphanet 805, MedGen C1860707, MONDO:0013199, OMIM 613254.
Hereditary cancer-predisposing syndrome. Also called: Hereditary Cancer Syndrome; Neoplastic Syndromes, Hereditary; Tumor predisposition; Hereditary neoplastic syndrome. Identifiers: Orphanet 140162, MedGen C0027672, MeSH D009386, MONDO:0015356.
Tuberous sclerosis syndrome (TSC). Also called: Tuberous sclerosis; Tuberous Sclerosis Complex. Identifiers: Orphanet 805, MedGen C0041341, MONDO:0001734.

Allele frequency attached by ClinVar (database versions not stated): gnomAD exomes below 0.00001; gnomAD 0.00001; TOPMed 0.00001.
gnomAD v4.1: 6 of 1,611,562 alleles (0.00037%); highest among the groups gnomAD compares: African/African-American, 0.0013%; no homozygotes.

Submissions (8):

Labcorp Genetics (formerly Invitae), Labcorp
Classification: Likely benign for Tuberous sclerosis 2. Last evaluated: 2026-01-04. Review status: criteria provided, single submitter. Criteria: Invitae Variant Classification Sherloc (09022015). Collection method: clinical testing. Allele origin: germline.

Myriad Genetics, Inc.
Classification: Benign for Tuberous sclerosis 2. Last evaluated: 2025-06-05. Review status: criteria provided, single submitter. Criteria: Myriad Autosomal Dominant, Autosomal Recessive and X-Linked Classification Criteria (2023). Collection method: clinical testing. Allele origin: unknown.
Comment: This variant is considered benign. This variant is a silent/synonymous amino acid change and it is not expected to impact splicing.

All of Us Research Program, National Institutes of Health
Classification: Likely benign for Tuberous sclerosis syndrome. Last evaluated: 2023-06-08. Review status: criteria provided, single submitter. Criteria: ACMG Guidelines, 2015. Collection method: clinical testing. Allele origin: germline. Inheritance: Autosomal dominant inheritance. Observed: 1 variant allele, 1 heterozygote.
Comment: This study involves interpretation of variants in research participants for the purpose of population health screening. Participant phenotype was not available at the time of variant classification. Additional details can be found in publication PMID: 35346344, PMCID: PMC8962531

Color Diagnostics, LLC DBA Color Health
Classification: Likely benign for Tuberous sclerosis syndrome. Last evaluated: 2023-05-24. Review status: criteria provided, single submitter. Criteria: ACMG Guidelines, 2015. Collection method: clinical testing. Allele origin: germline.

Fulgent Genetics
Classification: Likely benign for Lymphangiomyomatosis; Isolated focal cortical dysplasia type II; Tuberous sclerosis 2. Last evaluated: 2022-02-11. Review status: criteria provided, single submitter. Criteria: ACMG Guidelines, 2015. Collection method: clinical testing. Allele origin: unknown.

Genome-Nilou Lab
Classification: Benign for Tuberous sclerosis 2. Last evaluated: 2021-11-07. Review status: criteria provided, single submitter. Criteria: ACMG Guidelines, 2015. Collection method: clinical testing. Allele origin: germline. Affected: no.

GeneDx
Classification: Likely benign. Last evaluated: 2020-02-17. Review status: criteria provided, single submitter. Criteria: GeneDx Variant Classification Process June 2021. Collection method: clinical testing. Allele origin: germline. Affected: yes.

Ambry Genetics
Classification: Likely benign for Hereditary cancer-predisposing syndrome. Last evaluated: 2014-11-24. Review status: criteria provided, single submitter. Criteria: Ambry Variant Classification Scheme 2023. Collection method: clinical testing. Allele origin: germline.

NM_000548.5(TSC2):c.5037G>A (p.Glu1679=)

Gene: TSC2 (TSC complex subunit 2; plus strand). Cytogenetic location: 16p13.3.
Variant type: single nucleotide variant.
Coding change: c.5037G>A on transcript NM_000548.5 (MANE Select); coding-DNA position 5037, G replaced by A.
Protein change: p.Glu1679=; no amino-acid change (glutamic acid 1679 retained).
Molecular consequence: synonymous variant.
Genome position (GRCh38, 1-based): chr16:2,087,910, G>A. VCF-style: chr16-2087910-G-A. GRCh37 (hg19) VCF-style: chr16-2137911-G-A.
Other names: c.4836G>A, p.Glu1612= (NM_001077183.3); c.4968G>A, p.Glu1656= (NM_001114382.3); c.4728G>A, p.Glu1576= (NM_001318827.2); c.4692G>A, p.Glu1564= (NM_001318829.2); c.4305G>A, p.Glu1435= (NM_001318831.2); c.4869G>A, p.Glu1623= (NM_001318832.2); c.4839G>A, p.Glu1613= (NM_001363528.2); c.4905G>A, p.Glu1635= (NM_001370404.1); and 1 more.
Identifiers: ClinVar variation 229772 (VCV000229772.24), dbSNP rs876658185, ClinGen allele CA10579907.